The following is an entry in ClinVar:

ClinVar aggregate classification (germline): Likely pathogenic (1 of 4 stars; one submission).

Conditions:
Legius syndrome. Identifiers: Orphanet 137605, MedGen C1969623, MONDO:0012669, OMIM 611431. Disease mechanism: loss of function.

gnomAD v4.1: 2 of 1,613,878 alleles (0.00012%); highest among the groups gnomAD compares: Non-Finnish European, 0.00017%; no homozygotes.

Submission:

Labcorp Genetics (formerly Invitae), Labcorp
Classification: Likely pathogenic for Legius syndrome. Last evaluated: 2021-10-10. Review status: criteria provided, single submitter. Criteria: Invitae Variant Classification Sherloc (09022015). Collection method: clinical testing. Allele origin: germline.
Comment: This variant is not present in population databases (ExAC no frequency). In summary, the currently available evidence indicates that the variant is pathogenic, but additional data are needed to prove that conclusively. Therefore, this variant has been classified as Likely Pathogenic. This variant disrupts the p.Thr102 amino acid residue in SPRED1. Other variant(s) that disrupt this residue have been determined to be pathogenic (PMID: 19920235, 21089071, 31401120; Invitae). This suggests that this residue is clinically significant, and that variants that disrupt this residue are likely to be disease-causing. Experimental studies have shown that this missense change affects SPRED1 function (PMID: 26635368). Algorithms developed to predict the effect of missense changes on protein structure and function (SIFT, PolyPhen-2, Align-GVGD) all suggest that this variant is likely to be disruptive. ClinVar contains an entry for this variant (Variation ID: 1004532). This missense change has been observed in individuals with clinical features of Legius syndrome (PMID: 21548021, 22753041, 31401120; Invitae). This sequence change replaces threonine with lysine at codon 102 of the SPRED1 protein (p.Thr102Lys). The threonine residue is highly conserved and there is a moderate physicochemical difference between threonine and lysine.

Literature cited by the submitters: PubMed 19920235; PubMed 21089071; PubMed 31401120; PubMed 26635368; PubMed 21548021; PubMed 22753041.

NM_152594.3(SPRED1):c.305C>A (p.Thr102Lys)

Gene: SPRED1 (sprouty related EVH1 domain containing 1; plus strand). Cytogenetic location: 15q14.
Variant type: single nucleotide variant.
Coding change: c.305C>A on transcript NM_152594.3 (MANE Select); coding-DNA position 305, C replaced by A.
Protein change: p.Thr102Lys; replaces threonine 102 with lysine.
Molecular consequence: missense variant.
Genome position (GRCh38, 1-based): chr15:38,322,338, C>A. VCF-style: chr15-38322338-C-A. GRCh37 (hg19) VCF-style: chr15-38614539-C-A.
Other names: short protein forms T102K.
Identifiers: ClinVar variation 1004532 (VCV001004532.7), dbSNP rs754706111, ClinGen allele CA391932108.